The following is an entry in ClinVar:

NM_000455.5(STK11):c.1108+479G>A

Gene: STK11 (serine/threonine kinase 11; plus strand). Cytogenetic location: 19p13.3.
Variant type: single nucleotide variant.
Coding change: c.1108+479G>A on transcript NM_000455.5 (MANE Select); 479 bases into the intron after coding-DNA position 1108, G replaced by A.
Molecular consequence: intron variant. On other transcripts: synonymous variant (1).
Genome position (GRCh38, 1-based): chr19:1,223,651, G>A. VCF-style: chr19-1223651-G-A. GRCh37 (hg19) VCF-style: chr19-1223650-G-A.
Other names: c.1122G>A, p.Ala374= (NM_001407255.1).
Identifiers: ClinVar variation 3250824 (VCV003250824.18), dbSNP rs900434717.

ClinVar aggregate classification (germline): Likely benign (1 of 4 stars; one submission).

Allele frequency attached by ClinVar (database versions not stated): gnomAD 0.00002; gnomAD exomes 0.00001.
gnomAD v4.1: 14 of 1,066,164 alleles (0.0013%); highest among the groups gnomAD compares: Admixed American, 0.0048%; no homozygotes.

Submission:

CeGaT Center for Human Genetics Tuebingen
Classification: Likely benign. Last evaluated: 2026-05-01. Review status: criteria provided, single submitter. Criteria: CeGaT Center For Human Genetics Tuebingen Variant Classification Criteria Version 2. Collection method: clinical testing. Allele origin: germline. Affected: yes. Observed: 3 variant alleles.
Comment: STK11: BP4, BP7